The following is an entry in ClinVar:

ClinVar aggregate classification (germline): Pathogenic (1 of 4 stars; one submission).

Conditions:
Anauxetic dysplasia. Identifiers: Orphanet 93347, MedGen C1846796, MONDO:0011773.

Submission:

Labcorp Genetics (formerly Invitae), Labcorp
Classification: Pathogenic for Anauxetic dysplasia. Last evaluated: 2022-09-06. Review status: criteria provided, single submitter. Criteria: Invitae Variant Classification Sherloc (09022015). Collection method: clinical testing. Allele origin: germline.
Comment: For these reasons, this variant has been classified as Pathogenic. While functional studies for this variant have not been reported, experimental analyses using patient derived cells, as well as in vitro transfection studies, have shown that promoter insertions result in silencing of RMRP transcription and reduced expression of the gene product (PMID: 11207361, 16254002). While this particular variant has not been reported in the literature, it is located in the promoter region between the TATA box and the transcription initiation site, and other insertions and duplications immediately upstream of the coding sequence have been reported in individuals affected with cartilage-hair hypoplasia-anauxetic dysplasia (CHH-AD) spectrum disorders (PMID: 16244706, 11207361, 12107819). This variant is not present in population databases (gnomAD no frequency). This variant occurs in the RMRP gene, which encodes an RNA molecule that does not result in a protein product.

Literature cited by the submitters: PubMed 11207361; PubMed 16254002; PubMed 16244706; PubMed 12107819.

NC_000009.12:g.35658022_35658023insTTTCAGCTTCACAGAGTAG

Gene: RMRP (RNA component of mitochondrial RNA processing endoribonuclease; minus strand). Cytogenetic location: 9p13.3.
Variant type: Insertion.
Genome position: GRCh38 VCF-style: chr9-35658022-T-TTTTCAGCTTCACAGAGTAG. GRCh37 (hg19) VCF-style: chr9-35658019-T-TTTTCAGCTTCACAGAGTAG.
Identifiers: ClinVar variation 2026092 (VCV002026092.4), dbSNP rs1554651430, ClinGen allele CA2580080470.
Genomic context (GRCh38, chr9:35,658,022, plus strand): 5'-AGGGGAGGAACAGAGTCCTCAGTGTGTAGCCTAGGATACAGGCCTTCAGCACGAACCACG[T>TTTTCAGCTTCACAGAGTAG]CCTCAGCTTCACAGAGTAGTATTTTATAGCCCTAAAGAAATTGTGTTTTATGATTAGGGT-3'